The following is an entry in ClinVar:

NM_016151.4(TAOK2):c.3061G>A (p.Ala1021Thr)

Gene: TAOK2 (TAO kinase 2; plus strand). Cytogenetic location: 16p11.2.
Variant type: single nucleotide variant.
Coding change: c.3061G>A on transcript NM_016151.4 (MANE Select); coding-DNA position 3061, G replaced by A.
Protein change: p.Ala1021Thr; replaces alanine 1021 with threonine.
Molecular consequence: missense variant. On other transcripts: intron variant (1).
Genome position (GRCh38, 1-based): chr16:29,987,333, G>A. VCF-style: chr16-29987333-G-A. GRCh37 (hg19) VCF-style: chr16-29998654-G-A.
Other names: c.2722G>A, p.Ala908Thr (NM_001252043.2); c.2232+829G>A (NM_004783.4); short protein forms A908T, A1021T.
Identifiers: ClinVar variation 1903785 (VCV001903785.5), dbSNP rs1179728929, ClinGen allele CA395498036.

ClinVar aggregate classification (germline): Uncertain significance (1 of 4 stars; one submission).

gnomAD v4.1: 7 of 1,532,398 alleles (0.00046%); highest among the groups gnomAD compares: Non-Finnish European, 0.00061%; no homozygotes.

Submission:

Labcorp Genetics (formerly Invitae), Labcorp
Classification: Uncertain significance. Last evaluated: 2024-02-26. Review status: criteria provided, single submitter. Criteria: Invitae Variant Classification Sherloc (09022015). Collection method: clinical testing. Allele origin: germline.
Comment: This sequence change replaces alanine, which is neutral and non-polar, with threonine, which is neutral and polar, at codon 1021 of the TAOK2 protein (p.Ala1021Thr). The frequency data for this variant in the population databases is considered unreliable, as metrics indicate poor data quality at this position in the gnomAD database. This variant has not been reported in the literature in individuals affected with TAOK2-related conditions. ClinVar contains an entry for this variant (Variation ID: 1903785). An algorithm developed to predict the effect of missense changes on protein structure and function (PolyPhen-2) suggests that this variant is likely to be disruptive. In summary, the available evidence is currently insufficient to determine the role of this variant in disease. Therefore, it has been classified as a Variant of Uncertain Significance.